The following is an entry in ClinVar:

ClinVar aggregate classification (germline): Likely benign (1 of 4 stars; one submission).

Conditions:
SCAPER-related disorder. Also called: SCAPER-related condition.

Submission:

PreventionGenetics, part of Exact Sciences
Classification: Likely benign for SCAPER-related condition. Last evaluated: 2026-01-30. Review status: criteria provided, single submitter. Criteria: ACMG Guidelines, 2015. Collection method: clinical testing. Allele origin: germline.
Comment: This variant is classified as likely benign based on ACMG/AMP sequence variant interpretation guidelines (Richards et al. 2015 PMID: 25741868, with internal and published modifications).

NM_020843.4(SCAPER):c.4100-7C>T

Gene: SCAPER (S-phase cyclin A associated protein in the ER; minus strand). Cytogenetic location: 15q24.3.
Variant type: single nucleotide variant.
Coding change: c.4100-7C>T on transcript NM_020843.4 (MANE Select); 7 bases into the intron before coding-DNA position 4100, C replaced by T.
Molecular consequence: intron variant.
Genome position (GRCh38, 1-based): chr15:76,348,743, G>A on the plus strand (C>T on the coding strand, the complement: SCAPER is on the minus strand). VCF-style: chr15-76348743-G-A. GRCh37 (hg19) VCF-style: chr15-76641084-G-A.
Other names: c.3716-7C>T (NM_001353011.2); c.3698-7C>T (NM_001353012.2, NM_001353010.2); c.4118-7C>T (NM_001353009.2); c.3362-7C>T (NM_001145923.2).
Identifiers: ClinVar variation 4996176 (VCV004996176.1).